The following is an entry in ClinVar:

ClinVar aggregate classification (germline): Conflicting classifications of pathogenicity. Review status: criteria provided, conflicting classifications (1 of 4 stars). 2 submissions from 2 submitters: Uncertain significance (1); Benign (1). Last evaluated 2025-09-16.

Conditions:
Frontometaphyseal dysplasia (FMD1). Identifiers: Orphanet 1826, MedGen C0265293, MONDO:0015942.
Melnick-Needles syndrome (MNS). Also called: MELNICK-NEEDLES OSTEODYSPLASTY; OSTEODYSPLASTY OF MELNICK AND NEEDLES; Melnick-Needles Syndrome (FLNA-MNS). Identifiers: Orphanet 2484, MedGen C0025237, MONDO:0010650, OMIM 309350.
Oto-palato-digital syndrome, type II (OPD2). Also called: FACIOPALATOOSSEOUS SYNDROME; Otopalatodigital Syndrome, Type II; OPD II SYNDROME; Otopalatodigital Syndrome Type 2 (FLNA-OPD2). Identifiers: Orphanet 669, Orphanet 90652, MedGen C1844696, MONDO:0010571, OMIM 304120.
Heterotopia, periventricular, X-linked dominant (PVNH1). Also called: PERIVENTRICULAR NODULAR HETEROTOPIA 1; X-linked periventricular heterotopia; PERIVENTRICULAR NODULAR HETEROTOPIA 4; HETEROTOPIA, PERIVENTRICULAR, 1. Identifiers: Orphanet 2149, Orphanet 82004, MedGen C1848213, MONDO:0010233, OMIM 300049.

Allele frequency attached by ClinVar (database versions not stated): gnomAD exomes 0.00001 and 0.00003; TOPMed 0.00001; gnomAD 0.00002; ExAC 0.00003.
gnomAD v4.1: 10 of 1,209,388 alleles (0.00083%); highest among the groups gnomAD compares: African/African-American, 0.0052%; no homozygotes.

Submissions (2):

Labcorp Genetics (formerly Invitae), Labcorp
Classification: Benign for Oto-palato-digital syndrome, type II; Heterotopia, periventricular, X-linked dominant; Frontometaphyseal dysplasia; Melnick-Needles syndrome. Last evaluated: 2025-09-16. Review status: criteria provided, single submitter. Criteria: Invitae Variant Classification Sherloc (09022015). Collection method: clinical testing. Allele origin: germline.

GeneDx
Classification: Uncertain significance. Last evaluated: 2023-12-04. Review status: criteria provided, single submitter. Criteria: GeneDx Variant Classification Process June 2021. Collection method: clinical testing. Allele origin: germline. Affected: yes.
Comment: In silico analysis supports that this missense variant has a deleterious effect on protein structure/function; Has not been previously published as pathogenic or benign to our knowledge

NM_001110556.2(FLNA):c.2219C>T (p.Pro740Leu)

Gene: FLNA (filamin A; minus strand). Cytogenetic location: Xq28.
Variant type: single nucleotide variant.
Coding change: c.2219C>T on transcript NM_001110556.2 (MANE Select); coding-DNA position 2219, C replaced by T.
Protein change: p.Pro740Leu; replaces proline 740 with leucine.
Molecular consequence: missense variant.
Genome position (GRCh38, 1-based): chrX:154,364,083, G>A on the plus strand (C>T on the coding strand, the complement: FLNA is on the minus strand). VCF-style: chrX-154364083-G-A. GRCh37 (hg19) VCF-style: chrX-153592451-G-A.
Other names: c.2219C>T, p.Pro740Leu (NM_001456.4); c.2219C>T (NM_001456.3); short protein forms P740L.
Identifiers: ClinVar variation 1011770 (VCV001011770.10), dbSNP rs782278974, ClinGen allele CA10560989.